The following is an entry in ClinVar:

NM_004415.4(DSP):c.6041G>C (p.Gly2014Ala)

Gene: DSP (desmoplakin; plus strand). Cytogenetic location: 6p24.3.
Variant type: single nucleotide variant.
Coding change: c.6041G>C on transcript NM_004415.4 (MANE Select); coding-DNA position 6041, G replaced by C.
Protein change: p.Gly2014Ala; replaces glycine 2014 with alanine.
Molecular consequence: missense variant.
Genome position (GRCh38, 1-based): chr6:7,583,303, G>C. VCF-style: chr6-7583303-G-C. GRCh37 (hg19) VCF-style: chr6-7583536-G-C.
Other names: c.4244G>C, p.Gly1415Ala (NM_001008844.3); c.4712G>C, p.Gly1571Ala (NM_001319034.2); short protein forms G1415A, G1571A, G2014A.
Identifiers: ClinVar variation 1062432 (VCV001062432.9), dbSNP rs1470983327, ClinGen allele CA362689963.

ClinVar aggregate classification (germline): Uncertain significance (1 of 4 stars; one submission).

Conditions:
Arrhythmogenic right ventricular dysplasia 8 (ARVD8). Also called: Arrhythmogenic Right Ventricular Dysplasia/Cardiomyopathy 8; ARRHYTHMOGENIC RIGHT VENTRICULAR CARDIOMYOPATHY 8; ARRHYTHMOGENIC RIGHT VENTRICULAR DYSPLASIA, FAMILIAL, 8. Identifiers: MedGen C1843896, MONDO:0011831, OMIM 607450.
Arrhythmogenic cardiomyopathy with wooly hair and keratoderma. Also called: Arrhythmogenic cardiomyopathy with woolly hair and keratoderma; Carvajal syndrome; PALMOPLANTAR KERATODERMA WITH LEFT VENTRICULAR CARDIOMYOPATHY AND WOOLLY HAIR; Dilated cardiomyopathy with woolly hair and keratoderma. Identifiers: Orphanet 65282, MedGen C1854063, MONDO:0011581, OMIM 605676.

Submission:

Labcorp Genetics (formerly Invitae), Labcorp
Classification: Uncertain significance for Arrhythmogenic cardiomyopathy with wooly hair and keratoderma; Arrhythmogenic right ventricular dysplasia 8. Last evaluated: 2020-05-21. Review status: criteria provided, single submitter. Criteria: Invitae Variant Classification Sherloc (09022015). Collection method: clinical testing. Allele origin: germline.
Comment: This variant has not been reported in the literature in individuals with DSP-related conditions. This sequence change replaces glycine with alanine at codon 2014 of the DSP protein (p.Gly2014Ala). The glycine residue is highly conserved and there is a small physicochemical difference between glycine and alanine. This variant is not present in population databases (ExAC no frequency). Algorithms developed to predict the effect of missense changes on protein structure and function (SIFT, PolyPhen-2, Align-GVGD) all suggest that this variant is likely to be disruptive, but these predictions have not been confirmed by published functional studies and their clinical significance is uncertain. In summary, the available evidence is currently insufficient to determine the role of this variant in disease. Therefore, it has been classified as a Variant of Uncertain Significance.